The following is an entry in ClinVar:

ClinVar aggregate classification (germline): Uncertain significance. Review status: criteria provided, multiple submitters, no conflicts (2 of 4 stars). 3 submissions from 3 submitters: Uncertain significance (3). Last evaluated 2025-10-16.

Conditions:
Inborn genetic diseases. Identifiers: MedGen C0950123, MeSH D030342.
Dyskeratosis congenita, autosomal recessive 5 (DKCB5). Identifiers: MedGen C3554656, MONDO:0014076, OMIM 615190.
Pulmonary fibrosis and/or bone marrow failure, Telomere-related, 3. Also called: PULMONARY FIBROSIS AND/OR BONE MARROW FAILURE SYNDROME, TELOMERE-RELATED, 3. Identifiers: Orphanet 2032, MedGen C4225346, MONDO:0014613, OMIM 616373.

Allele frequency attached by ClinVar (database versions not stated): gnomAD exomes 0.00002 and 0.00001; TOPMed below 0.00001.
gnomAD v4.1: 26 of 1,604,968 alleles (0.0016%); highest among the groups gnomAD compares: South Asian, 0.0022%; no homozygotes.

Submissions (3):

Labcorp Genetics (formerly Invitae), Labcorp
Classification: Uncertain significance for Dyskeratosis congenita, autosomal recessive 5; Pulmonary fibrosis and/or bone marrow failure, Telomere-related, 3. Last evaluated: 2025-10-16. Review status: criteria provided, single submitter. Criteria: Invitae Variant Classification Sherloc (09022015). Collection method: clinical testing. Allele origin: germline.
Comment: This sequence change replaces histidine, which is basic and polar, with tyrosine, which is neutral and polar, at codon 1028 of the RTEL1 protein (p.His1028Tyr). This variant is present in population databases (no rsID available, gnomAD 0.01%). This variant has not been reported in the literature in individuals affected with RTEL1-related conditions. ClinVar contains an entry for this variant (Variation ID: 1036069). An algorithm developed to predict the effect of missense changes on protein structure and function (PolyPhen-2) suggests that this variant is likely to be disruptive. In summary, the available evidence is currently insufficient to determine the role of this variant in disease. Therefore, it has been classified as a Variant of Uncertain Significance.

Ambry Genetics
Classification: Uncertain significance for Inborn genetic diseases. Last evaluated: 2024-12-07. Review status: criteria provided, single submitter. Criteria: Ambry Variant Classification Scheme 2023. Collection method: clinical testing. Allele origin: germline.
Comment: The p.H1028Y variant (also known as c.3082C>T), located in coding exon 30 of the RTEL1 gene, results from a C to T substitution at nucleotide position 3082. The histidine at codon 1028 is replaced by tyrosine, an amino acid with similar properties. This amino acid position is conserved. In addition, the in silico prediction for this alteration is inconclusive. Based on the available evidence, the clinical significance of this variant remains unclear.

Mayo Clinic Laboratories, Mayo Clinic
Classification: Uncertain significance. Last evaluated: 2022-06-03. Review status: criteria provided, single submitter. Criteria: ACMG Guidelines, 2015. Collection method: clinical testing. Allele origin: germline. Observed: 1 variant allele.

NM_001283009.2(RTEL1):c.3082C>T (p.His1028Tyr)

Genes: RTEL1 (regulator of telomere elongation helicase 1; plus strand), RTEL1-TNFRSF6B (RTEL1-TNFRSF6B readthrough (NMD candidate); plus strand). Cytogenetic location: 20q13.33.
Variant type: single nucleotide variant.
Coding change: c.3082C>T on transcript NM_001283009.2 (MANE Select); coding-DNA position 3082, C replaced by T.
Protein change: p.His1028Tyr; replaces histidine 1028 with tyrosine.
Molecular consequence: missense variant. On other transcripts: non-coding transcript variant (1).
Genome position (GRCh38, 1-based): chr20:63,694,461, C>T. VCF-style: chr20-63694461-C-T. GRCh37 (hg19) VCF-style: chr20-62325814-C-T.
Other names: p.His1052Tyr; c.2413C>T, p.His805Tyr (NM_001283010.1); c.3082C>T, p.His1028Tyr (NM_016434.4); c.3154C>T, p.His1052Tyr (NM_032957.5); c.3154C>T (NM_032957.4); short protein forms H805Y, H1028Y, H1052Y.
Identifiers: ClinVar variation 1036069 (VCV001036069.11), dbSNP rs1368646805, ClinGen allele CA409684644.